The following is an entry in ClinVar:

NM_015425.6(POLR1A):c.3549G>T (p.Glu1183Asp)

Gene: POLR1A (RNA polymerase I subunit A; minus strand). Cytogenetic location: 2p11.2.
Variant type: single nucleotide variant.
Coding change: c.3549G>T on transcript NM_015425.6 (MANE Select); coding-DNA position 3549, G replaced by T.
Protein change: p.Glu1183Asp; replaces glutamic acid 1183 with aspartic acid.
Molecular consequence: missense variant.
Genome position (GRCh38, 1-based): chr2:86,041,912, C>A on the plus strand (G>T on the coding strand, the complement: POLR1A is on the minus strand). VCF-style: chr2-86041912-C-A. GRCh37 (hg19) VCF-style: chr2-86269035-C-A.
Other names: short protein forms E1183D.
Identifiers: ClinVar variation 3633233 (VCV003633233.2).

ClinVar aggregate classification (germline): Uncertain significance (1 of 4 stars; one submission).

Submission:

Labcorp Genetics (formerly Invitae), Labcorp
Classification: Uncertain significance. Last evaluated: 2024-02-08. Review status: criteria provided, single submitter. Criteria: Invitae Variant Classification Sherloc (09022015). Collection method: clinical testing. Allele origin: germline.
Comment: This sequence change replaces glutamic acid, which is acidic and polar, with aspartic acid, which is acidic and polar, at codon 1183 of the POLR1A protein (p.Glu1183Asp). This variant is not present in population databases (gnomAD no frequency). This variant has not been reported in the literature in individuals affected with POLR1A-related conditions. Advanced modeling of protein sequence and biophysical properties (such as structural, functional, and spatial information, amino acid conservation, physicochemical variation, residue mobility, and thermodynamic stability) performed at Invitae indicates that this missense variant is not expected to disrupt POLR1A protein function with a negative predictive value of 80%. In summary, the available evidence is currently insufficient to determine the role of this variant in disease. Therefore, it has been classified as a Variant of Uncertain Significance.